The following is an entry in ClinVar:

NM_206937.2(LIG4):c.1246_1250dup (p.Leu418fs)

Gene: LIG4 (DNA ligase 4; minus strand). Cytogenetic location: 13q33.3.
Variant type: Duplication.
Coding change: c.1246_1250dup on transcript NM_206937.2 (MANE Select); coding-DNA positions 1246 to 1250, 5 bases duplicated (GATGC; older notation c.1246_1250dupGATGC).
Protein change: p.Leu418fs; shifts the reading frame from leucine 418.
Molecular consequence: frameshift variant.
Genome position (GRCh38, 1-based): chr13:108,210,019-108,210,023, GCATC duplicated on the plus strand (GATGC on the coding strand, the reverse complement: LIG4 is on the minus strand). VCF-style (leftmost placement, unchanged base first): chr13-108210018-T-TGCATC. GRCh37 (hg19) VCF-style: chr13-108862366-T-TGCATC.
Other names: c.1246_1250dup, p.Leu418fs (NM_001098268.2, NM_001352598.2, NM_001352599.2 and 6 more transcripts); c.1045_1049dup, p.Leu351fs (NM_001330595.2); c.1282_1286dup, p.Leu430fs (NM_001352604.2); short protein forms L430fs, L351fs, L418fs.
Identifiers: ClinVar variation 1418233 (VCV001418233.8), dbSNP rs2138974907, ClinGen allele CA2573149477.

ClinVar aggregate classification (germline): Pathogenic (1 of 4 stars; one submission).

Conditions:
DNA ligase IV deficiency. Identifiers: Orphanet 99812, MedGen C1847827, MONDO:0011686, OMIM 606593.

Allele frequency attached by ClinVar (database versions not stated): gnomAD exomes below 0.00001.

Submission:

Labcorp Genetics (formerly Invitae), Labcorp
Classification: Pathogenic for DNA ligase IV deficiency. Last evaluated: 2020-12-22. Review status: criteria provided, single submitter. Criteria: Invitae Variant Classification Sherloc (09022015). Collection method: clinical testing. Allele origin: germline.
Comment: For these reasons, this variant has been classified as Pathogenic. This variant disrupts the C-terminus of the LIG4 protein. Other variant(s) that disrupt this region (p.Arg814*) have been determined to be pathogenic (PMID: 11779494, 27063650, 16088910, 25239263, 27612988). This suggests that variants that disrupt this region of the protein are likely to be causative of disease. This variant has been observed in individual(s) with clinical features of ligase IV syndrome (PMID: 24123394). This variant is not present in population databases (ExAC no frequency). This sequence change creates a premature translational stop signal (p.Leu418Metfs*3) in the LIG4 gene. While this is not anticipated to result in nonsense mediated decay, it is expected to disrupt the last 494 amino acid(s) of the LIG4 protein.

Literature cited by the submitters: PubMed 11779494; PubMed 27063650; PubMed 16088910; PubMed 25239263; PubMed 27612988; PubMed 24123394.